The following is an entry in ClinVar:

NM_174936.4(PCSK9):c.1546G>C (p.Gly516Arg)

Gene: PCSK9 (proprotein convertase subtilisin/kexin type 9; plus strand). Cytogenetic location: 1p32.3.
Variant type: single nucleotide variant.
Coding change: c.1546G>C on transcript NM_174936.4 (MANE Select); coding-DNA position 1546, G replaced by C.
Protein change: p.Gly516Arg; replaces glycine 516 with arginine.
Molecular consequence: missense variant. On other transcripts: non-coding transcript variant (7), intron variant (1).
Genome position (GRCh38, 1-based): chr1:55,059,528, G>C. VCF-style: chr1-55059528-G-C. GRCh37 (hg19) VCF-style: chr1-55525201-G-C.
Other names: c.1669G>C, p.Gly557Arg (NM_001407240.1); c.1588G>C, p.Gly530Arg (NM_001407241.1); c.1549G>C, p.Gly517Arg (NM_001407242.1); c.1489G>C, p.Gly497Arg (NM_001407243.1); c.1372G>C, p.Gly458Arg (NM_001407244.1); c.1354G>C, p.Gly452Arg (NM_001407245.1); c.1171G>C, p.Gly391Arg (NM_001407246.1); c.1181-1847G>C (NM_001407247.1); short protein forms G391R, G452R, G458R, G497R, G516R, G517R, G530R, G557R.
Identifiers: ClinVar variation 4850676 (VCV004850676.1).

ClinVar aggregate classification (germline): Uncertain significance (1 of 4 stars; one submission).

Conditions:
Familial hypercholesterolemia. Also called: Familial hypercholesterolemias; Familial hypercholesterolaemia. Identifiers: MedGen C0020445, MONDO:0005439.

gnomAD v4.1: 7 of 1,564,670 alleles (0.00045%); highest among the groups gnomAD compares: Non-Finnish European, 0.00061%; no homozygotes.

Submission:

Cambridge Genomics Laboratory, East Genomic Laboratory Hub, NHS Genomic Medicine Service
Classification: Uncertain significance for Familial hypercholesterolaemia. Last evaluated: 2026-04-22. Review status: criteria provided, single submitter. Criteria: ACGS Best Practice Guidelines for Variant Classification in Rare Disease 2020. Collection method: clinical testing. Allele origin: germline. Affected: yes.
Comment: PM2_Supporting,PP4